The following is an entry in ClinVar:

NM_001684.5(ATP2B4):c.62A>C (p.Asp21Ala)

Gene: ATP2B4 (ATPase plasma membrane Ca2+ transporting 4; plus strand). Cytogenetic location: 1q32.1.
Variant type: single nucleotide variant.
Coding change: c.62A>C on transcript NM_001684.5 (MANE Select); coding-DNA position 62, A replaced by C.
Protein change: p.Asp21Ala; replaces aspartic acid 21 with alanine.
Molecular consequence: missense variant.
Genome position (GRCh38, 1-based): chr1:203,683,267, A>C. VCF-style: chr1-203683267-A-C. GRCh37 (hg19) VCF-style: chr1-203652395-A-C.
Other names: c.62A>C, p.Asp21Ala (NM_001001396.3, NM_001365783.2, NM_001365784.2); short protein forms D21A.
Identifiers: ClinVar variation 2629689 (VCV002629689.1), dbSNP rs752876520, ClinGen allele CA344595577.

ClinVar aggregate classification (germline): Uncertain significance (1 of 4 stars; one submission).

Conditions:
ATP2B4-related disorder. Also called: ATP2B4-related condition.

Submission:

PreventionGenetics, part of Exact Sciences
Classification: Uncertain significance for ATP2B4-related condition. Last evaluated: 2022-12-09. Review status: criteria provided, single submitter. Criteria: ACMG Guidelines, 2015. Collection method: clinical testing. Allele origin: germline.
Comment: The ATP2B4 c.62A>C variant is predicted to result in the amino acid substitution p.Asp21Ala. To our knowledge, this variant has not been reported in the literature or in a large population database, indicating this variant is rare. At this time, the clinical significance of this variant is uncertain due to the absence of conclusive functional and genetic evidence.